The following is an entry in ClinVar:

NM_006096.4(NDRG1):c.891+3G>C

Gene: NDRG1 (N-myc downstream regulated 1; minus strand). Cytogenetic location: 8q24.22.
Variant type: single nucleotide variant.
Coding change: c.891+3G>C on transcript NM_006096.4 (MANE Select); 3 bases into the intron after coding-DNA position 891, G replaced by C.
Molecular consequence: intron variant.
Genome position (GRCh38, 1-based): chr8:133,244,352, C>G on the plus strand (G>C on the coding strand, the complement: NDRG1 is on the minus strand). VCF-style: chr8-133244352-C-G. GRCh37 (hg19) VCF-style: chr8-134256595-C-G.
Other names: c.693+3G>C (NM_001258432.2, NM_001374847.1); c.648+3G>C (NM_001258433.2); c.942+3G>C (NM_001374844.1); c.891+3G>C (NM_001135242.2, NM_001374845.1, NM_001374846.1).
Identifiers: ClinVar variation 2684272 (VCV002684272.1), dbSNP rs377525362, ClinGen allele CA4886515.
Genomic context (GRCh38, chr8:133,244,352, plus strand): 5'-CACATGCACTCCACCCAGGGGGAAGCGACAGCTGTATAATGCAAAAGCCAACATGGCACT[C>G]ACCTGGGAGATCTGCGGGAGGCCGCCACAGTCCGCCATCTAGGAGAGAGGGAAGCTCGTT-3'

ClinVar aggregate classification (germline): Uncertain significance (1 of 4 stars; one submission).

Allele frequency attached by ClinVar (database versions not stated): ExAC 0.00001; gnomAD 0.00001; gnomAD exomes 0.00001; TOPMed 0.00002; ESP Exome Variant Server 0.00008.
gnomAD v4.1: 5 of 1,614,092 alleles (0.00031%); highest among the groups gnomAD compares: Non-Finnish European, 0.00042%; no homozygotes.

Submission:

Athena Diagnostics
Classification: Uncertain significance. Last evaluated: 2023-05-23. Review status: criteria provided, single submitter. Criteria: Athena Diagnostics Criteria. Collection method: clinical testing. Allele origin: unknown.
Comment: Available data are insufficient to determine the clinical significance of the variant at this time. The frequency of this variant in the general population is uninformative in assessment of its pathogenicity. Computational tools yielded inconclusive predictions regarding the effect of this variant on RNA splicing.